The following is an entry in ClinVar:

NM_000350.3(ABCA4):c.1529T>A (p.Leu510His)

Gene: ABCA4 (ATP binding cassette subfamily A member 4; minus strand). Cytogenetic location: 1p22.1.
Variant type: single nucleotide variant.
Coding change: c.1529T>A on transcript NM_000350.3 (MANE Select); coding-DNA position 1529, T replaced by A.
Protein change: p.Leu510His; replaces leucine 510 with histidine.
Molecular consequence: missense variant.
Genome position (GRCh38, 1-based): chr1:94,077,715, A>T on the plus strand (T>A on the coding strand, the complement: ABCA4 is on the minus strand). VCF-style: chr1-94077715-A-T. GRCh37 (hg19) VCF-style: chr1-94543271-A-T.
Other names: c.1529T>A, p.Leu510His (NM_001425324.1); short protein forms L510H.
Identifiers: ClinVar variation 2112443 (VCV002112443.5), dbSNP rs886039299, ClinGen allele CA341281842.

ClinVar aggregate classification (germline): Likely pathogenic. Review status: criteria provided, multiple submitters, no conflicts (2 of 4 stars). 2 submissions from 2 submitters: Likely pathogenic (2). Last evaluated 2023-09-18.

Conditions:
ABCA4-related disorder. Also called: ABCA4-related condition; ABCA4-related disorders. Identifiers: MedGen CN239167.

Submissions (2):

Blueprint Genetics
Classification: Likely pathogenic for ABCA4-related disorders. Last evaluated: 2023-09-18. Review status: criteria provided, single submitter. Criteria: ACMG Guidelines, 2015. Collection method: clinical testing. Allele origin: germline. Affected: yes. Observed: 3 variant alleles.

Labcorp Genetics (formerly Invitae), Labcorp
Classification: Likely pathogenic. Last evaluated: 2022-11-29. Review status: criteria provided, single submitter. Criteria: Invitae Variant Classification Sherloc (09022015). Collection method: clinical testing. Allele origin: germline.
Comment: This sequence change replaces leucine, which is neutral and non-polar, with histidine, which is basic and polar, at codon 510 of the ABCA4 protein (p.Leu510His). This variant is not present in population databases (gnomAD no frequency). In summary, the currently available evidence indicates that the variant is pathogenic, but additional data are needed to prove that conclusively. Therefore, this variant has been classified as Likely Pathogenic. This variant disrupts the p.Leu510 amino acid residue in ABCA4. Other variant(s) that disrupt this residue have been determined to be pathogenic (PMID: 29925512; Invitae). This suggests that this residue is clinically significant, and that variants that disrupt this residue are likely to be disease-causing. Advanced modeling of protein sequence and biophysical properties (such as structural, functional, and spatial information, amino acid conservation, physicochemical variation, residue mobility, and thermodynamic stability) performed at Invitae indicates that this missense variant is expected to disrupt ABCA4 protein function. This variant has not been reported in the literature in individuals affected with ABCA4-related conditions.

Literature cited by the submitters: PubMed 29925512 (cited by Labcorp Genetics (formerly Invitae), Labcorp).